The following is an entry in ClinVar:

NM_000393.5(COL5A2):c.1340G>A (p.Gly447Glu)

Gene: COL5A2 (collagen type V alpha 2 chain; minus strand). Cytogenetic location: 2q32.2.
Variant type: single nucleotide variant.
Coding change: c.1340G>A on transcript NM_000393.5 (MANE Select); coding-DNA position 1340, G replaced by A.
Protein change: p.Gly447Glu; replaces glycine 447 with glutamic acid.
Molecular consequence: missense variant.
Genome position (GRCh38, 1-based): chr2:189,068,076, C>T on the plus strand (G>A on the coding strand, the complement: COL5A2 is on the minus strand). VCF-style: chr2-189068076-C-T. GRCh37 (hg19) VCF-style: chr2-189932802-C-T.
Other names: short protein forms G447E.
Identifiers: ClinVar variation 1310232 (VCV001310232.2), dbSNP rs2105603621, ClinGen allele CA349852780.

ClinVar aggregate classification (germline): Uncertain significance (1 of 4 stars; one submission).

Submission:

GeneDx
Classification: Uncertain significance. Last evaluated: 2019-11-18. Review status: criteria provided, single submitter. Criteria: GeneDx Variant Classification Process June 2021. Collection method: clinical testing. Allele origin: germline. Affected: yes.
Comment: Has not been previously published as pathogenic or benign to our knowledge; Not observed in large population cohorts (Lek et al., 2016); In silico analysis, which includes protein predictors and evolutionary conservation, supports a deleterious effect